The following is an entry in ClinVar:

NM_001845.6(COL4A1):c.3205C>G (p.Gln1069Glu)

Gene: COL4A1 (collagen type IV alpha 1 chain; minus strand). Cytogenetic location: 13q34.
Variant type: single nucleotide variant.
Coding change: c.3205C>G on transcript NM_001845.6 (MANE Select); coding-DNA position 3205, C replaced by G.
Protein change: p.Gln1069Glu; replaces glutamine 1069 with glutamic acid.
Molecular consequence: missense variant.
Genome position (GRCh38, 1-based): chr13:110,174,743, G>C on the plus strand (C>G on the coding strand, the complement: COL4A1 is on the minus strand). VCF-style: chr13-110174743-G-C. GRCh37 (hg19) VCF-style: chr13-110827090-G-C.
Other names: short protein forms Q1069E.
Identifiers: ClinVar variation 2157431 (VCV002157431.4), dbSNP rs774311833, ClinGen allele CA7047334.

ClinVar aggregate classification (germline): Uncertain significance (1 of 4 stars; one submission).

Allele frequency attached by ClinVar (database versions not stated): gnomAD exomes below 0.00001; ExAC 0.00002.
gnomAD v4.1: 4 of 1,613,458 alleles (0.00025%); highest among the groups gnomAD compares: Middle Eastern, 0.016%; no homozygotes.

Submission:

Labcorp Genetics (formerly Invitae), Labcorp
Classification: Uncertain significance. Last evaluated: 2022-03-16. Review status: criteria provided, single submitter. Criteria: Invitae Variant Classification Sherloc (09022015). Collection method: clinical testing. Allele origin: germline.
Comment: In summary, the available evidence is currently insufficient to determine the role of this variant in disease. Therefore, it has been classified as a Variant of Uncertain Significance. Advanced modeling of protein sequence and biophysical properties (such as structural, functional, and spatial information, amino acid conservation, physicochemical variation, residue mobility, and thermodynamic stability) performed at Invitae indicates that this missense variant is not expected to disrupt COL4A1 protein function. This variant has not been reported in the literature in individuals affected with COL4A1-related conditions. This variant is present in population databases (rs774311833, gnomAD 0.002%). This sequence change replaces glutamine, which is neutral and polar, with glutamic acid, which is acidic and polar, at codon 1069 of the COL4A1 protein (p.Gln1069Glu).